The following is an entry in ClinVar:

ClinVar aggregate classification (germline): Benign/Likely benign. Review status: criteria provided, multiple submitters, no conflicts (2 of 4 stars). 8 submissions from 8 submitters: Benign (6); Likely benign (1). 1 of the submissions does not count toward it. Last evaluated 2026-02-04.

Conditions:
CLCN1-related disorder. Also called: CLCN1-related condition.
Congenital myotonia, autosomal dominant form (THD). Also called: Myotonia congenita autosomal dominant; THOMSEN DISEASE. Identifiers: Orphanet 614, MedGen C2936781, MONDO:0008055, OMIM 160800.
Congenital myotonia, autosomal recessive form. Also called: myotonia congenita, autosomal recessive; BECKER DISEASE; Becker Generalized Myotonia. Identifiers: Orphanet 614, MedGen C0751360, MONDO:0009715, OMIM 255700.
Batten-Turner congenital myopathy. Also called: Congenital myotonia; Myotonia congenita. Identifiers: Orphanet 206973, MedGen C0027127, MONDO:0100468, OMIM 255300.

Allele frequency attached by ClinVar (database versions not stated): 1000 Genomes Project 30x 0.00375; TOPMed 0.00389; gnomAD 0.00424; 1000 Genomes Project 0.00359; ESP Exome Variant Server 0.00446.
gnomAD v4.1: 8,246 of 1,614,214 alleles (0.51%); highest among the groups gnomAD compares: Middle Eastern, 1.2%; 38 homozygotes.

Submissions (8):

Labcorp Genetics (formerly Invitae), Labcorp
Classification: Benign for Congenital myotonia, autosomal recessive form; Congenital myotonia, autosomal dominant form. Last evaluated: 2026-02-04. Review status: criteria provided, single submitter. Criteria: Invitae Variant Classification Sherloc (09022015). Collection method: clinical testing. Allele origin: germline.

CeGaT Center for Human Genetics Tuebingen
Classification: Benign. Last evaluated: 2024-05-01. Review status: criteria provided, single submitter. Criteria: CeGaT Center For Human Genetics Tuebingen Variant Classification Criteria Version 2. Collection method: clinical testing. Allele origin: germline. Affected: yes. Observed: 1 variant allele.
Comment: CLCN1: BP4, BP7, BS1, BS2

Mayo Clinic Laboratories, Mayo Clinic
Classification: Benign. Last evaluated: 2023-03-27. Review status: criteria provided, single submitter. Criteria: ACMG Guidelines, 2015. Collection method: clinical testing. Allele origin: germline. Observed: 3 variant alleles.
Comment: BS1, BS2, BP4, BP7

Illumina Laboratory Services, Illumina
Classification: Benign for Myotonia congenita. Last evaluated: 2018-01-13. Review status: criteria provided, single submitter. Criteria: ICSL Variant Classification Criteria 13 December 2019. Collection method: clinical testing. Allele origin: germline.
Comment: This variant was observed in the ICSL laboratory as part of a predisposition screen in an ostensibly healthy population. It had not been previously curated by ICSL or reported in the Human Gene Mutation Database (HGMD: prior to June 1st, 2018), and was therefore a candidate for classification through an automated scoring system. Utilizing variant allele frequency, disease prevalence and penetrance estimates, and inheritance mode, an automated score was calculated to assess if this variant is too frequent to cause the disease. Based on the score and internal cut-off values, a variant classified as benign is not then subjected to further curation. The score for this variant resulted in a classification of benign for this disease.

GeneDx
Classification: Benign. Last evaluated: 2016-03-09. Review status: criteria provided, single submitter. Criteria: GeneDx Variant Classification (06012015). Collection method: clinical testing. Allele origin: germline. Affected: yes.
Comment: This variant is considered likely benign or benign based on one or more of the following criteria: it is a conservative change, it occurs at a poorly conserved position in the protein, it is predicted to be benign by multiple in silico algorithms, and/or has population frequency not consistent with disease.

Breakthrough Genomics
Classification: Benign. Review status: criteria provided, single submitter. Criteria: ACMG Guidelines, 2015. Collection method: not provided. Allele origin: germline. Inheritance: Autosomal recessive inheritance. Affected: yes.

Department Of Human Genetics, Institute Of Clinical And Translational Research, Biomedical Research Center, Slovak Academy Of Sciences
Classification: Likely benign for Congenital myotonia, autosomal recessive form; Congenital myotonia, autosomal dominant form. Review status: criteria provided, single submitter. Criteria: ACMG Guidelines, 2015. Collection method: research. Allele origin: germline. Inheritance: Autosomal unknown. Affected: yes. Observed: 2 variant alleles.
Comment: The c.663G>A (p.(Ala221=)) variant was found in a heterozygous state in 2 Slovak patients with Myotonia congenita, both of whom carried 2 other Likely Pathogenic variants. It is a silent variant that has a population frequency not consistent with the disease (gnomAD ExomesVersion: 4.0 frequency f = 0.00515). Interestingly, both mentioned patients also carried heterozygous CLCN1 splicing variant c.2364+2T>C, indicating its inheritance in cis with c.663G>A.

PreventionGenetics, part of Exact Sciences
Classification: Benign for CLCN1-related condition. Last evaluated: 2020-04-27. Review status: no assertion criteria provided. Collection method: clinical testing. Allele origin: germline. Not counted in ClinVar's aggregate classification.
Comment: This variant is classified as benign based on ACMG/AMP sequence variant interpretation guidelines (Richards et al. 2015 PMID: 25741868, with internal and published modifications).

NM_000083.3(CLCN1):c.663G>A (p.Ala221=)

Gene: CLCN1 (chloride voltage-gated channel 1; plus strand). Cytogenetic location: 7q34.
Variant type: single nucleotide variant.
Coding change: c.663G>A on transcript NM_000083.3 (MANE Select); coding-DNA position 663, G replaced by A.
Protein change: p.Ala221=; no amino-acid change (alanine 221 retained).
Molecular consequence: synonymous variant. On other transcripts: non-coding transcript variant (1).
Genome position (GRCh38, 1-based): chr7:143,321,815, G>A. VCF-style: chr7-143321815-G-A. GRCh37 (hg19) VCF-style: chr7-143018908-G-A.
Other names: p.Ala221=.
Identifiers: ClinVar variation 359104 (VCV000359104.38), dbSNP rs147317366, ClinGen allele CA4537027.